The following is an entry in ClinVar:

ClinVar aggregate classification (germline): Uncertain significance (1 of 4 stars; one submission).

gnomAD v4.1: 442 of 1,612,168 alleles (0.027%); highest among the groups gnomAD compares: African/African-American, 0.51%; 1 homozygote.

Submission:

CeGaT Center for Human Genetics Tuebingen
Classification: Uncertain significance. Last evaluated: 2026-06-01. Review status: criteria provided, single submitter. Criteria: CeGaT Center For Human Genetics Tuebingen Variant Classification Criteria Version 2. Collection method: clinical testing. Allele origin: germline. Affected: yes. Observed: 1 variant allele.
Comment: TUBB8: PM2, PP2

NM_177987.3(TUBB8):c.233C>T (p.Ser78Leu)

Gene: TUBB8 (tubulin beta 8 class VIII; minus strand). Cytogenetic location: 10p15.3.
Variant type: single nucleotide variant.
Coding change: c.233C>T on transcript NM_177987.3 (MANE Select); coding-DNA position 233, C replaced by T.
Protein change: p.Ser78Leu; replaces serine 78 with leucine.
Molecular consequence: missense variant.
Genome position (GRCh38, 1-based): chr10:48,659, G>A on the plus strand (C>T on the coding strand, the complement: TUBB8 is on the minus strand). VCF-style: chr10-48659-G-A. GRCh37 (hg19) VCF-style: chr10-94599-G-A.
Other names: c.17C>T, p.Ser6Leu (NM_001389618.1, NM_001389619.1); short protein forms S6L, S78L.
Identifiers: ClinVar variation 4873532 (VCV004873532.2).